The following is an entry in ClinVar:

ClinVar aggregate classification (germline): Uncertain significance (1 of 4 stars; one submission).

Conditions:
Inborn genetic diseases. Identifiers: MedGen C0950123, MeSH D030342.

Submission:

Ambry Genetics
Classification: Uncertain significance for Inborn genetic diseases. Last evaluated: 2021-09-16. Review status: criteria provided, single submitter. Criteria: Ambry Variant Classification Scheme 2023. Collection method: clinical testing. Allele origin: germline.
Comment: The p.H26P variant (also known as c.77A>C), located in coding exon 1 of the OPTN gene, results from an A to C substitution at nucleotide position 77. The histidine at codon 26 is replaced by proline, an amino acid with similar properties. This amino acid position is conserved. In addition, this alteration is predicted to be tolerated by in silico analysis. Since supporting evidence is limited at this time, the clinical significance of this alteration remains unclear.

NM_001008212.2(OPTN):c.77A>C (p.His26Pro)

Genes: OPTN (optineurin; plus strand), LOC108903148 (10p13 OPTN distal Alu-mediated recombination region; plus strand). Cytogenetic location: 10p13.
Variant type: single nucleotide variant.
Coding change: c.77A>C on transcript NM_001008212.2 (MANE Select); coding-DNA position 77, A replaced by C.
Protein change: p.His26Pro; replaces histidine 26 with proline.
Molecular consequence: missense variant.
Genome position (GRCh38, 1-based): chr10:13,109,199, A>C. VCF-style: chr10-13109199-A-C. GRCh37 (hg19) VCF-style: chr10-13151199-A-C.
Other names: c.77A>C, p.His26Pro (NM_001008211.1, NM_001008213.1, NM_021980.4); short protein forms H26P.
Identifiers: ClinVar variation 1760672 (VCV001760672.2), dbSNP rs1832938469, ClinGen allele CA376027086.